The following is an entry in ClinVar:

NM_000062.3(SERPING1):c.689T>C (p.Leu230Pro)

Gene: SERPING1 (serpin family G member 1; plus strand). Cytogenetic location: 11q12.1.
Variant type: single nucleotide variant.
Coding change: c.689T>C on transcript NM_000062.3 (MANE Select); coding-DNA position 689, T replaced by C.
Protein change: p.Leu230Pro; replaces leucine 230 with proline.
Molecular consequence: missense variant.
Genome position (GRCh38, 1-based): chr11:57,606,013, T>C. VCF-style: chr11-57606013-T-C. GRCh37 (hg19) VCF-style: chr11-57373486-T-C.
Other names: c.689T>C, p.Leu230Pro (NM_001032295.2); short protein forms L230P.
Identifiers: ClinVar variation 68254 (VCV000068254.3), dbSNP rs281875171, ClinGen allele CA219269.

ClinVar aggregate classification (germline): Pathogenic. Review status: criteria provided, single submitter (1 of 4 stars). 2 submissions from 2 submitters: Pathogenic (1). 1 of the submissions does not count toward it.

Conditions:
Hereditary angioedema type 1 (HAE1). Identifiers: Orphanet 100050, Orphanet 100051, Orphanet 91378, MedGen C2717906, MONDO:0015053, OMIM 106100.

Submissions (2):

DNA-diagnostics Laboratory, Research Centre For Medical Genetics
Classification: Pathogenic for Hereditary angioedema type 1. Review status: criteria provided, single submitter. Criteria: ACMG Guidelines, 2015. Collection method: research. Allele origin: germline. Affected: yes. Observed: 3 variant alleles, 3 heterozygotes. Clinical features observed: Angioedema (HP:0100665), C1 esterase inhibitor deficiency.
Comment: The pathogenic or likely pathogenic SERPING1 gene variants are detected in >90% of the HAE1/2 families and in >80% of the total HAE families (e.g., DOI: 10.1016/j.molimm.2008.05.007, 10.1159/2F000138883, 10.1016/j.molimm.2011.07.010). In our study the heterozygous c.689T>C (p.Leu230Pro) variant in SERPING1 was observed in 1 HAE1 family (in 2 siblings and their father). The same variant has previously been reported in 4 HAE1 cases (DOI: 10.1016/j.molimm.2011.07.010, 10.1111/all.13699, 10.1111/all.12024, 10.1002/humu.23917). In summary, the c.689T>C variant meets ACMG/ClinGen SVI guidance criteria to be classified as pathogenic: PP4_Str, PM6, PS4_Mod, PP3_Mod, PM2_Sup, PP1

UniProtKB/Swiss-Prot
No classification provided. Review status: no classification provided. Collection method: not provided. Allele origin: not provided. Not counted in ClinVar's aggregate classification.

Literature cited by the submitters: DOI 10.1016/j.molimm.2011.07.010 (cited by DNA-diagnostics Laboratory, Research Centre For Medical Genetics); DOI 10.1111/all.13699 (cited by DNA-diagnostics Laboratory, Research Centre For Medical Genetics); DOI 10.1111/all.12024 (cited by DNA-diagnostics Laboratory, Research Centre For Medical Genetics); DOI 10.1002/humu.23917 (cited by DNA-diagnostics Laboratory, Research Centre For Medical Genetics); DOI 10.1016/j.molimm.2008.05.007 (cited by DNA-diagnostics Laboratory, Research Centre For Medical Genetics); DOI 10.1159/2F00013888 (cited by DNA-diagnostics Laboratory, Research Centre For Medical Genetics).